The following is an entry in ClinVar:

ClinVar aggregate classification (germline): Likely pathogenic (1 of 4 stars; one submission).

Conditions:
Short stature, facial dysmorphism, and skeletal anomalies with or without cardiac anomalies 2. Identifiers: MedGen C5543057, MONDO:0030953, OMIM 619184.

gnomAD v4.1: 1 of 1,614,136 alleles (0.000062%); highest among the groups gnomAD compares: South Asian, 0.0011%; no homozygotes.

Submission:

Neuberg Centre For Genomic Medicine, NCGM
Classification: Likely pathogenic for Short stature, facial dysmorphism, and skeletal anomalies with or without cardiac anomalies 2. Review status: criteria provided, single submitter. Criteria: ACMG Guidelines, 2015. Collection method: clinical testing. Allele origin: germline. Inheritance: Autosomal recessive inheritance. Affected: yes.
Comment: The stop gained c.2419G>T (p.Glu807Ter) variant in SCUBE3 gene has not been reported previously as a pathogenic variant nor as a benign variant, to our knowledge. The p.Glu807Ter variant is absent in gnomAD exomes database. This variant has not been submitted to the ClinVar database. Computational evidence (MutationTaster - disease causing) predict a damaging effect on protein structure and function for this variant. The reference amino acid at this position on SCUBE3 gene is predicted as conserved by GERP++ and PhyloP across 100 vertebrates. This variant is predicted to cause loss of normal protein function through protein truncation. Loss of function variants have been previously reported to be disease causing. For these reasons, this variant has been classified as Likely Pathogenic.

NM_152753.4(SCUBE3):c.2419G>T (p.Glu807Ter)

Gene: SCUBE3 (signal peptide, CUB domain and EGF like domain containing 3; plus strand). Cytogenetic location: 6p21.31.
Variant type: single nucleotide variant.
Coding change: c.2419G>T on transcript NM_152753.4 (MANE Select); coding-DNA position 2419, G replaced by T.
Protein change: p.Glu807Ter; replaces glutamic acid 807 with a stop codon.
Molecular consequence: nonsense.
Genome position (GRCh38, 1-based): chr6:35,245,245, G>T. VCF-style: chr6-35245245-G-T. GRCh37 (hg19) VCF-style: chr6-35213022-G-T.
Other names: c.2416G>T, p.Glu806Ter (NM_001303136.2); short protein forms E806*, E807*.
Identifiers: ClinVar variation 3731373 (VCV003731373.1).